The following is an entry in ClinVar:

ClinVar aggregate classification (germline): Uncertain significance. Review status: criteria provided, multiple submitters, no conflicts (2 of 4 stars). 2 submissions from 2 submitters: Uncertain significance (2). Last evaluated 2025-04-28.

Conditions:
Cardiovascular phenotype. Identifiers: MedGen CN230736.
Brugada syndrome. Also called: Sudden unexpected nocturnal death syndrome; Sudden unexplained nocturnal death syndrome; Sudden Unexplained Death Syndrome; Sudden Unexplained Nocturnal Death Syndrome (SUNDS). Identifiers: Orphanet 130, MedGen C1142166, MONDO:0015263.

Allele frequency attached by ClinVar (database versions not stated): gnomAD exomes below 0.00001; gnomAD 0.00004; TOPMed 0.00006; ESP Exome Variant Server 0.00008.
gnomAD v4.1: 8 of 1,614,042 alleles (0.0005%); highest among the groups gnomAD compares: African/African-American, 0.008%; no homozygotes.

Submissions (2):

Labcorp Genetics (formerly Invitae), Labcorp
Classification: Uncertain significance for Brugada syndrome. Last evaluated: 2025-04-28. Review status: criteria provided, single submitter. Criteria: Invitae Variant Classification Sherloc (09022015). Collection method: clinical testing. Allele origin: germline.
Comment: This sequence change replaces asparagine, which is neutral and polar, with serine, which is neutral and polar, at codon 180 of the SCN10A protein (p.Asn180Ser). This variant is not present in population databases (gnomAD no frequency). This missense change has been observed in individual(s) with sudden unexplained death (PMID: 29247119). ClinVar contains an entry for this variant (Variation ID: 1002187). Invitae Evidence Modeling of protein sequence and biophysical properties (such as structural, functional, and spatial information, amino acid conservation, physicochemical variation, residue mobility, and thermodynamic stability) indicates that this missense variant is not expected to disrupt SCN10A protein function with a negative predictive value of 80%. In summary, the available evidence is currently insufficient to determine the role of this variant in disease. Therefore, it has been classified as a Variant of Uncertain Significance.

Ambry Genetics
Classification: Uncertain significance for Cardiovascular phenotype. Last evaluated: 2024-01-08. Review status: criteria provided, single submitter. Criteria: Ambry Variant Classification Scheme 2023. Collection method: clinical testing. Allele origin: germline.
Comment: The p.N180S variant (also known as c.539A>G), located in coding exon 4 of the SCN10A gene, results from an A to G substitution at nucleotide position 539. The asparagine at codon 180 is replaced by serine, an amino acid with highly similar properties. This amino acid position is not well conserved in available vertebrate species. In addition, the in silico prediction for this alteration is inconclusive. The evidence for this gene-disease relationship is limited; therefore, the clinical significance of this alteration is unclear.

Literature cited by the submitters: PubMed 29247119 (cited by Labcorp Genetics (formerly Invitae), Labcorp).

NM_006514.4(SCN10A):c.539A>G (p.Asn180Ser)

Gene: SCN10A (sodium voltage-gated channel alpha subunit 10; minus strand). Cytogenetic location: 3p22.2.
Variant type: single nucleotide variant.
Coding change: c.539A>G on transcript NM_006514.4 (MANE Select); coding-DNA position 539, A replaced by G.
Protein change: p.Asn180Ser; replaces asparagine 180 with serine.
Molecular consequence: missense variant.
Genome position (GRCh38, 1-based): chr3:38,771,339, T>C on the plus strand (A>G on the coding strand, the complement: SCN10A is on the minus strand). VCF-style: chr3-38771339-T-C. GRCh37 (hg19) VCF-style: chr3-38812830-T-C.
Other names: c.539A>G (NM_006514.2); c.539A>G, p.Asn180Ser (NM_001293306.2, NM_001293307.2); short protein forms N180S.
Identifiers: ClinVar variation 1002187 (VCV001002187.6), dbSNP rs371221408, ClinGen allele CA72954419.